The following is an entry in ClinVar:

ClinVar aggregate classification (germline): Uncertain significance. Review status: criteria provided, multiple submitters, no conflicts (2 of 4 stars). 3 submissions from 3 submitters: Uncertain significance (3). Last evaluated 2025-02-12.

Conditions:
Hereditary cancer-predisposing syndrome. Also called: Tumor predisposition; Hereditary Cancer Syndrome; Neoplastic Syndromes, Hereditary; Hereditary neoplastic syndrome. Identifiers: Orphanet 140162, MedGen C0027672, MeSH D009386, MONDO:0015356.
CHEK2-related cancer predisposition (TPDS4). Also called: TUMOR PREDISPOSITION SYNDROME 4; CANCER PREDISPOSITION SYNDROME, CHEK2-RELATED; CHEK2-related cancer susceptibility. Identifiers: Orphanet 524, MedGen C5882668, MONDO:0700271, OMIM 609265.
Familial cancer of breast. Also called: BREAST CANCER, FAMILIAL; Hereditary breast cancer; hereditary breast carcinoma. Identifiers: Orphanet 227535, MedGen C0346153, MONDO:0016419, OMIM 114480. Disease mechanism: loss of function.

Allele frequency attached by ClinVar (database versions not stated): gnomAD exomes below 0.00001.

Submissions (3):

Labcorp Genetics (formerly Invitae), Labcorp
Classification: Uncertain significance for Familial cancer of breast. Last evaluated: 2025-02-12. Review status: criteria provided, single submitter. Criteria: Invitae Variant Classification Sherloc (09022015). Collection method: clinical testing. Allele origin: germline.
Comment: This sequence change replaces glutamic acid, which is acidic and polar, with glycine, which is neutral and non-polar, at codon 302 of the CHEK2 protein (p.Glu302Gly). The frequency data for this variant in the population databases is considered unreliable, as metrics indicate poor data quality at this position in the gnomAD database. This variant has not been reported in the literature in individuals affected with CHEK2-related conditions. ClinVar contains an entry for this variant (Variation ID: 822949). An algorithm developed to predict the effect of missense changes on protein structure and function (PolyPhen-2) suggests that this variant is likely to be disruptive. In summary, the available evidence is currently insufficient to determine the role of this variant in disease. Therefore, it has been classified as a Variant of Uncertain Significance.

Ambry Genetics
Classification: Uncertain significance for Hereditary cancer-predisposing syndrome. Last evaluated: 2019-01-14. Review status: criteria provided, single submitter. Criteria: Ambry Variant Classification Scheme 2023. Collection method: clinical testing. Allele origin: germline.
Comment: The p.E302G variant (also known as c.905A>G), located in coding exon 7 of the CHEK2 gene, results from an A to G substitution at nucleotide position 905. The glutamic acid at codon 302 is replaced by glycine, an amino acid with similar properties. This amino acid position is highly conserved in available vertebrate species. In addition, this alteration is predicted to be deleterious by in silico analysis. Since supporting evidence is limited at this time, the clinical significance of this alteration remains unclear.

Foundation for Research in Genetics and Endocrinology, FRIGE's Institute of Human Genetics
Classification: Uncertain significance for CHEK2-related cancer predisposition. Review status: criteria provided, single submitter. Criteria: ACMG Guidelines, 2015. Collection method: clinical testing. Allele origin: germline. Affected: yes. Observed: 1 heterozygote.
Comment: A heterozygous missense variant in exon 8 of the CHEK2 gene (chr22:g.28703508T>C) that results in the amino acid substitution of Glycine for Glutamic acid at codon 302 (p.Glu302Gly; ENST00000404276.6) was detected. The observed variant is documented as variant of uncertain significance in hereditary cancer-predisposing syndrome in the ClinVar database [VCV000822949.4]. It lies in the "Protein kinase domain" domain of the CHEK2_HUMAN protein (PF00069). The p.Glu302Gly variant has not been reported in the 1000 genomes and gnomAD databases. The in-silico predictions of the variant are possibly damaging by PolyPhen-2 and damaging by SIFT, LRT and Mutation Taster2 tools. The reference codon is conserved in species.

Literature cited by the submitters: PubMed 31054147 (cited by Foundation for Research in Genetics and Endocrinology, FRIGE's Institute of Human Genetics); PubMed 27443514 (cited by Foundation for Research in Genetics and Endocrinology, FRIGE's Institute of Human Genetics); PubMed 18834326 (cited by Foundation for Research in Genetics and Endocrinology, FRIGE's Institute of Human Genetics).

NM_007194.4(CHEK2):c.905A>G (p.Glu302Gly)

Gene: CHEK2 (checkpoint kinase 2; minus strand). Cytogenetic location: 22q12.1.
Variant type: single nucleotide variant.
Coding change: c.905A>G on transcript NM_007194.4 (MANE Select); coding-DNA position 905, A replaced by G.
Protein change: p.Glu302Gly; replaces glutamic acid 302 with glycine.
Molecular consequence: missense variant.
Genome position (GRCh38, 1-based): chr22:28,703,508, T>C on the plus strand (A>G on the coding strand, the complement: CHEK2 is on the minus strand). VCF-style: chr22-28703508-T-C. GRCh37 (hg19) VCF-style: chr22-29099496-T-C.
Other names: p.Glu302Gly; c.1034A>G, p.Glu345Gly (NM_001005735.3); c.242A>G, p.Glu81Gly (NM_001257387.3); c.704A>G, p.Glu235Gly (NM_001349956.3); c.905A>G, p.Glu302Gly (NM_145862.3); short protein forms E345G, E81G, E302G, E235G.
Identifiers: ClinVar variation 822949 (VCV000822949.7), dbSNP rs1480964932, ClinGen allele CA411100900.